The following is an entry in ClinVar:

ClinVar aggregate classification (germline): Uncertain significance (1 of 4 stars; one submission).

gnomAD v4.1: 1 of 1,486,226 alleles (0.000067%); highest among the groups gnomAD compares: Non-Finnish European, 0.000089%; no homozygotes.

Submission:

Ambry Genetics
Classification: Uncertain significance. Last evaluated: 2025-11-16. Review status: criteria provided, single submitter. Criteria: Ambry Variant Classification Scheme 2023. Collection method: clinical testing. Allele origin: germline.
Comment: The p.G82A variant (also known as c.245G>C), located in coding exon 1 of the PALLD gene, results from a G to C substitution at nucleotide position 245. The glycine at codon 82 is replaced by alanine, an amino acid with similar properties. This amino acid position is conserved. In addition, this alteration is predicted to be tolerated by in silico analysis. Based on the available evidence, the clinical significance of this variant remains unclear.

NM_001166108.2(PALLD):c.1965-12786G>C

Gene: PALLD (palladin, cytoskeletal associated protein; plus strand). Cytogenetic location: 4q32.3.
Variant type: single nucleotide variant.
Coding change: c.1965-12786G>C on transcript NM_001166108.2 (MANE Select); 12786 bases into the intron before coding-DNA position 1965, G replaced by C.
Molecular consequence: intron variant. On other transcripts: missense variant (1).
Genome position (GRCh38, 1-based): chr4:168,878,136, G>C. VCF-style: chr4-168878136-G-C. GRCh37 (hg19) VCF-style: chr4-169799287-G-C.
Other names: c.245G>C, p.Gly82Ala (NM_001166110.2); c.1965-12786G>C (NM_016081.4); c.819-12786G>C (NM_001166109.2); c.-157-12786G>C (NM_001367570.1, NM_001367568.1, NM_001367567.1 and 1 more transcripts); short protein forms G82A.
Identifiers: ClinVar variation 4564183 (VCV004564183.1).